The following is an entry in ClinVar:

NM_001164508.2(NEB):c.17373C>A (p.Cys5791Ter)

Gene: NEB (nebulin; minus strand). Cytogenetic location: 2q23.3.
Variant type: single nucleotide variant.
Coding change: c.17373C>A on transcript NM_001164508.2 (MANE Select); coding-DNA position 17373, C replaced by A.
Protein change: p.Cys5791Ter; replaces cysteine 5791 with a stop codon.
Molecular consequence: nonsense.
Genome position (GRCh38, 1-based): chr2:151,570,138, G>T on the plus strand (C>A on the coding strand, the complement: NEB is on the minus strand). VCF-style: chr2-151570138-G-T. GRCh37 (hg19) VCF-style: chr2-152426652-G-T.
Other names: c.17373C>A, p.Cys5791Ter (NM_001164507.2, NM_001271208.2); c.12270C>A, p.Cys4090Ter (NM_004543.5); short protein forms C4090*, C5791*.
Identifiers: ClinVar variation 1070695 (VCV001070695.7), dbSNP rs2153752710, ClinGen allele CA348807483.

ClinVar aggregate classification (germline): Pathogenic (1 of 4 stars; one submission).

Conditions:
Nemaline myopathy 2 (NEM2). Also called: Nemaline myopathy 2, autosomal recessive. Identifiers: MedGen C1850569, MONDO:0009725, OMIM 256030.

Submission:

Labcorp Genetics (formerly Invitae), Labcorp
Classification: Pathogenic for Nemaline myopathy 2. Last evaluated: 2022-07-25. Review status: criteria provided, single submitter. Criteria: Invitae Variant Classification Sherloc (09022015). Collection method: clinical testing. Allele origin: germline.
Comment: This sequence change creates a premature translational stop signal (p.Cys5791*) in the NEB gene. It is expected to result in an absent or disrupted protein product. Loss-of-function variants in NEB are known to be pathogenic (PMID: 25205138). This variant is not present in population databases (gnomAD no frequency). This variant has not been reported in the literature in individuals affected with NEB-related conditions. ClinVar contains an entry for this variant (Variation ID: 1070695). For these reasons, this variant has been classified as Pathogenic.

Literature cited by the submitters: PubMed 25205138.